The following is an entry in ClinVar:

ClinVar aggregate classification (germline): Uncertain significance (1 of 4 stars; one submission).

Submission:

GeneDx
Classification: Uncertain significance. Last evaluated: 2026-03-30. Review status: criteria provided, single submitter. Criteria: GeneDx Variant Classification Process June 2021. Collection method: clinical testing. Allele origin: germline.
Comment: Not observed at significant frequency in large population cohorts (gnomAD); In silico analysis supports that this missense variant has a deleterious effect on protein structure/function; Has not been previously published as pathogenic or benign to our knowledge

NM_015267.4(CUX2):c.3106G>T (p.Gly1036Cys)

Gene: CUX2 (cut like homeobox 2; plus strand). Cytogenetic location: 12q24.12.
Variant type: single nucleotide variant.
Coding change: c.3106G>T on transcript NM_015267.4 (MANE Select); coding-DNA position 3106, G replaced by T.
Protein change: p.Gly1036Cys; replaces glycine 1036 with cysteine.
Molecular consequence: missense variant.
Genome position (GRCh38, 1-based): chr12:111,334,620, G>T. VCF-style: chr12-111334620-G-T. GRCh37 (hg19) VCF-style: chr12-111772424-G-T.
Other names: c.2920G>T, p.Gly974Cys (NM_001370598.1); short protein forms G1036C, G974C.
Identifiers: ClinVar variation 5017935 (VCV005017935.1).